The following is an entry in ClinVar:

ClinVar aggregate classification (germline): Likely benign (0 of 4 stars; one submission).

Conditions:
MCM9-related disorder. Also called: MCM9-related condition.

Allele frequency attached by ClinVar (database versions not stated): gnomAD 0.00005; TOPMed 0.00006; gnomAD exomes 0.00009.

Submission:

PreventionGenetics, part of Exact Sciences
Classification: Likely benign for MCM9-related condition. Last evaluated: 2019-07-23. Review status: no assertion criteria provided. Collection method: clinical testing. Allele origin: germline.
Comment: This variant is classified as likely benign based on ACMG/AMP sequence variant interpretation guidelines (Richards et al. 2015 PMID: 25741868, with internal and published modifications).

NM_017696.3(MCM9):c.1680C>T (p.Asn560=)

Gene: MCM9 (minichromosome maintenance 9 homologous recombination repair factor; minus strand). Cytogenetic location: 6q22.31.
Variant type: single nucleotide variant.
Coding change: c.1680C>T on transcript NM_017696.3 (MANE Select); coding-DNA position 1680, C replaced by T.
Protein change: p.Asn560=; no amino-acid change (asparagine 560 retained).
Molecular consequence: synonymous variant. On other transcripts: non-coding transcript variant (1), intron variant (1).
Genome position (GRCh38, 1-based): chr6:118,827,979, G>A on the plus strand (C>T on the coding strand, the complement: MCM9 is on the minus strand). VCF-style: chr6-118827979-G-A. GRCh37 (hg19) VCF-style: chr6-119149142-G-A.
Other names: c.1680C>T, p.Asn560= (NM_001378356.1, NM_001378357.1, NM_001378359.1 and 1 more transcripts); c.1554C>T, p.Asn518= (NM_001378366.1); c.1482C>T, p.Asn494= (NM_001378367.1); c.1528+1069C>T (NM_001378364.1).
Identifiers: ClinVar variation 3049781 (VCV003049781.2), dbSNP rs928548799, ClinGen allele CA146559703.